The following is an entry in ClinVar:

ClinVar aggregate classification (germline): Conflicting classifications of pathogenicity. Review status: criteria provided, conflicting classifications (1 of 4 stars). 4 submissions from 4 submitters: Pathogenic (2); Likely pathogenic (1); Uncertain significance (1). Last evaluated 2026-08-06.

Conditions:
Mosaic variegated aneuploidy syndrome 1 (MVA1). Also called: Warburton-Anyane-Yeboa syndrome. Identifiers: Orphanet 1052, MedGen C1850343, MONDO:0009759, OMIM 257300.

Submissions (4):

OLLIN Analises Genomicas, OLLIN
Classification: Uncertain significance for Mosaic variegated aneuploidy syndrome 1. Last evaluated: 2026-08-06. Review status: criteria provided, single submitter. Criteria: ACMG Guidelines 2015 PMID 25741868. Collection method: clinical testing. Allele origin: germline. Inheritance: Autosomal recessive inheritance.
Comment: This frameshift variant, located in exon 20 (of 23), has been reported in ClinVar (accession VCV000958852.9) and in gnomAD with an allele frequency of 0.00025%. However, to our knowledge, it has not been reported in the scientific literature. This variant causes a frameshift and introduces a premature stop codon, which is predicted to result in either a truncated protein or degradation of the mRNA via nonsense-mediated decay (NMD). According to the currently available evidence, this variant has been classified as uncertain significance (PVS1).

Dasa
Classification: Likely pathogenic. Last evaluated: 2026-03-11. Review status: criteria provided, single submitter. Criteria: DASA Assertion Criteria. Collection method: clinical testing. Allele origin: germline.
Comment: NM_001211.6(BUB1B):c.2566del (p.His856Metfs*3) is a frameshift variant in BUB1B predicted to alter the reading frame and introduce a premature termination codon and is predicted to result in an absent or altered protein product. Loss of function is an established disease mechanism for BUB1B-associated disorders. Also, this variant is rare in population databases. Based on the currently available evidence, this variant is classified as likely pathogenic.

Labcorp Genetics (formerly Invitae), Labcorp
Classification: Pathogenic for Mosaic variegated aneuploidy syndrome 1. Last evaluated: 2025-10-07. Review status: criteria provided, single submitter. Criteria: Invitae Variant Classification Sherloc (09022015). Collection method: clinical testing. Allele origin: germline.
Comment: This sequence change creates a premature translational stop signal (p.His856Metfs*3) in the BUB1B gene. It is expected to result in an absent or disrupted protein product. Loss-of-function variants in BUB1B are known to be pathogenic (PMID: 15475955, 21190457). This variant is present in population databases (rs749762155, gnomAD 0.003%). This variant has not been reported in the literature in individuals affected with BUB1B-related conditions. ClinVar contains an entry for this variant (Variation ID: 958852). Algorithms developed to predict the effect of sequence changes on RNA splicing suggest that this variant may disrupt the consensus splice site. For these reasons, this variant has been classified as Pathogenic.

GeneDx
Classification: Pathogenic. Last evaluated: 2025-06-20. Review status: criteria provided, single submitter. Criteria: GeneDx Variant Classification Process June 2021. Collection method: clinical testing. Allele origin: germline. Affected: yes.
Comment: Frameshift variant predicted to result in protein truncation or nonsense mediated decay in a gene for which loss of function is a known mechanism of disease; Not observed at significant frequency in large population cohorts (gnomAD); This variant is associated with the following publications: (PMID: 21190457, 15475955, 31970404, 33084842)

Literature cited by the submitters: PubMed 15475955 (cited by Labcorp Genetics (formerly Invitae), Labcorp); PubMed 21190457 (cited by Labcorp Genetics (formerly Invitae), Labcorp).

NM_001211.6(BUB1B):c.2566del (p.His856fs)

Gene: BUB1B (BUB1 mitotic checkpoint serine/threonine kinase B; plus strand). Cytogenetic location: 15q15.1.
Variant type: Deletion.
Coding change: c.2566del on transcript NM_001211.6 (MANE Select); coding-DNA position 2566, one base deleted (C; older notation c.2566delC).
Protein change: p.His856fs; shifts the reading frame from histidine 856.
Molecular consequence: frameshift variant.
Genome position (GRCh38, 1-based): chr15:40,213,362, C deleted; the last of 3 consecutive C bases (chr15:40,213,360-40,213,362); deleting any one gives the same sequence. VCF-style (leftmost placement, unchanged base first): chr15-40213359-AC-A. GRCh37 (hg19) VCF-style: chr15-40505560-AC-A.
Other names: short protein forms H856fs.
Identifiers: ClinVar variation 958852 (VCV000958852.11), dbSNP rs749762155, ClinGen allele CA7476083.